The following is an entry in ClinVar:

ClinVar aggregate classification (germline): Uncertain significance (1 of 4 stars; one submission).

Submission:

Institute for Human Genetics, University Hospital Essen
Classification: Uncertain significance. Last evaluated: 2005-03-05. Review status: criteria provided, single submitter. Criteria: ACMG Guidelines, 2015. Collection method: clinical testing. Allele origin: de novo. Affected: yes.
Comment: PM2_supp, PS2

NR_004427.1(RNU1-2):n.45T>C

Gene: RNU1-2 (RNA, U1 small nuclear 2; plus strand). Cytogenetic location: 1p36.13.
Variant type: single nucleotide variant.
Molecular consequence: non-coding transcript variant (on NR_004427.1).
Genome position: GRCh38 VCF-style: chr1-16896024-T-C. GRCh37 (hg19) VCF-style: chr1-17222519-T-C.
Identifiers: ClinVar variation 3770169 (VCV003770169.1).